The following is an entry in ClinVar:

NM_004415.4(DSP):c.1456G>A (p.Asp486Asn)

Gene: DSP (desmoplakin; plus strand). Cytogenetic location: 6p24.3.
Variant type: single nucleotide variant.
Coding change: c.1456G>A on transcript NM_004415.4 (MANE Select); coding-DNA position 1456, G replaced by A.
Protein change: p.Asp486Asn; replaces aspartic acid 486 with asparagine.
Molecular consequence: missense variant.
Genome position (GRCh38, 1-based): chr6:7,569,222, G>A. VCF-style: chr6-7569222-G-A. GRCh37 (hg19) VCF-style: chr6-7569455-G-A.
Other names: c.1456G>A, p.Asp486Asn (NM_001008844.3, NM_001319034.2); short protein forms D486N.
Identifiers: ClinVar variation 4786877 (VCV004786877.1).
Genomic context (GRCh38, chr6:7,569,222, plus strand): 5'-ACCCTGGGGTTGCTTGCCTTACAGAAAATCGTGCATAAGGGGGATGAGTGTATCCTGAAG[G>A]ACAACAACGAGCGCAGCAAGTGGTACGTGACGGGCCCGGGAGGCGTTGACATGCTTGTTC-3'
Protein context (NP_004406.2, residues 476-496): VHKGDECILK[Asp486Asn]NNERSKWYVT

ClinVar aggregate classification (germline): Uncertain significance (1 of 4 stars; one submission).

Conditions:
Arrhythmogenic cardiomyopathy with wooly hair and keratoderma. Also called: Carvajal syndrome; PALMOPLANTAR KERATODERMA WITH LEFT VENTRICULAR CARDIOMYOPATHY AND WOOLLY HAIR; Dilated cardiomyopathy with woolly hair and keratoderma; Arrhythmogenic cardiomyopathy with woolly hair and keratoderma. Identifiers: Orphanet 65282, MedGen C1854063, MONDO:0011581, OMIM 605676.
Arrhythmogenic right ventricular dysplasia 8 (ARVD8). Also called: Arrhythmogenic Right Ventricular Dysplasia/Cardiomyopathy 8; ARRHYTHMOGENIC RIGHT VENTRICULAR DYSPLASIA, FAMILIAL, 8; ARRHYTHMOGENIC RIGHT VENTRICULAR CARDIOMYOPATHY 8. Identifiers: MedGen C1843896, MONDO:0011831, OMIM 607450.

Submission:

Labcorp Genetics (formerly Invitae), Labcorp
Classification: Uncertain significance for Arrhythmogenic cardiomyopathy with wooly hair and keratoderma; Arrhythmogenic right ventricular dysplasia 8. Last evaluated: 2025-12-09. Review status: criteria provided, single submitter. Criteria: Invitae Variant Classification Sherloc (09022015). Collection method: clinical testing. Allele origin: germline.
Comment: This sequence change replaces aspartic acid, which is acidic and polar, with asparagine, which is neutral and polar, at codon 486 of the DSP protein (p.Asp486Asn). This variant is not present in population databases (gnomAD no frequency). This variant has not been reported in the literature in individuals affected with DSP-related conditions. An algorithm developed to predict the effect of missense changes on protein structure and function (PolyPhen-2) suggests that this variant is likely to be tolerated. In summary, the available evidence is currently insufficient to determine the role of this variant in disease. Therefore, it has been classified as a Variant of Uncertain Significance.